The following is an entry in ClinVar:

ClinVar aggregate classification (germline): Uncertain significance (1 of 4 stars; one submission).

Submission:

Labcorp Genetics (formerly Invitae), Labcorp
Classification: Uncertain significance. Last evaluated: 2022-02-24. Review status: criteria provided, single submitter. Criteria: Invitae Variant Classification Sherloc (09022015). Collection method: clinical testing. Allele origin: germline.
Comment: Algorithms developed to predict the effect of missense changes on protein structure and function are either unavailable or do not agree on the potential impact of this missense change (SIFT: "Deleterious"; PolyPhen-2: "Possibly Damaging"; Align-GVGD: "Class C0"). This variant has not been reported in the literature in individuals affected with MTTP-related conditions. This variant is not present in population databases (gnomAD no frequency). This sequence change replaces lysine, which is basic and polar, with threonine, which is neutral and polar, at codon 349 of the MTTP protein (p.Lys349Thr). In summary, the available evidence is currently insufficient to determine the role of this variant in disease. Therefore, it has been classified as a Variant of Uncertain Significance.

NM_001386140.1(MTTP):c.1046A>C (p.Lys349Thr)

Gene: MTTP (microsomal triglyceride transfer protein; plus strand). Cytogenetic location: 4q23.
Variant type: single nucleotide variant.
Coding change: c.1046A>C on transcript NM_001386140.1 (MANE Select); coding-DNA position 1046, A replaced by C.
Protein change: p.Lys349Thr; replaces lysine 349 with threonine.
Molecular consequence: missense variant.
Genome position (GRCh38, 1-based): chr4:99,597,203, A>C. VCF-style: chr4-99597203-A-C. GRCh37 (hg19) VCF-style: chr4-100518360-A-C.
Other names: c.1046A>C, p.Lys349Thr (NM_000253.4); c.797A>C, p.Lys266Thr (NM_001300785.2); short protein forms K266T, K349T.
Identifiers: ClinVar variation 1433805 (VCV001433805.8), dbSNP rs1725579383, ClinGen allele CA357507083.